The following is an entry in ClinVar:

NC_000009.12:g.35658334A>G

Genes: CCDC107 (coiled-coil domain containing 107; plus strand), RMRP (RNA component of mitochondrial RNA processing endoribonuclease; minus strand), LOC130001714 (ATAC-STARR-seq lymphoblastoid silent region 19871; plus strand). Cytogenetic location: 9p13.3.
Variant type: single nucleotide variant.
Molecular consequence: 5 prime UTR variant (on NM_174923.3).
Genome position: GRCh38 VCF-style: chr9-35658334-A-G. GRCh37 (hg19) VCF-style: chr9-35658331-A-G.
Other names: c.-46A>G (NM_001195200.2, NM_001195201.2, NM_001195217.2 and 1 more transcripts).
Identifiers: ClinVar variation 1234446 (VCV001234446.5), dbSNP rs113382889, ClinGen allele CA5045901.

ClinVar aggregate classification (germline): Benign. Review status: reviewed by expert panel (3 of 4 stars). 3 submissions from 3 submitters: Benign (1). 2 of the submissions do not count toward it. Last evaluated 2026-09-26.

Conditions:
Metaphyseal chondrodysplasia, McKusick type (CHH). Also called: Cartilage-hair hypoplasia; Cartilage-Hair Hypoplasia (CHH). Identifiers: Orphanet 175, MedGen C0220748, MONDO:0009595, OMIM 250250.

Allele frequency attached by ClinVar (database versions not stated): gnomAD exomes 0.02744 and 0.03444; gnomAD 0.06584 and 0.06328; TOPMed 0.06834; 1000 Genomes Project 0.07129; 1000 Genomes Project 30x 0.07542; ESP Exome Variant Server 0.05574; ExAC 0.06642.

Submissions (3):

ClinGen Severe Combined Immunodeficiency Variant Curation Expert Panel, ClinGen
Classification: Benign for Metaphyseal chondrodysplasia, McKusick type. Last evaluated: 2026-09-26. Review status: reviewed by expert panel. Criteria: ClinGen SCID ACMG Specifications RMRP V1.3. Collection method: curation. Allele origin: germline. Inheritance: Autosomal recessive inheritance.
Comment: The variant NC_000009.12:g.35658334A>G, also known as NM_174923.3:c.-46A>G, in RMRP gene, The Grpmax filtering allele frequency of this variant in gnomAD v4.1.1 (African/African American population) is 0.1627, which is higher than the ClinGen SCID VCEP threshold (>0.00400) for BA1, and therefore meets this criterion (BA1). In addition, 1312 homozygotes are present in gnomAD v4.1.0 (BS2). This variant has not been reported in the literature. In summary, this variant meets the criteria to be classified as Benign for autosomal recessive cartilage-hair hypoplasia based on the ACMG/AMP criteria applied, as specified by the ClinGen SCID VCEP: BA1, BS2, (SCID VCEP RMRP specifications version 1.3).

GeneDx
Classification: Benign. Last evaluated: 2018-07-07. Review status: criteria provided, single submitter. Criteria: GeneDx Variant Classification Process June 2021. Collection method: clinical testing. Allele origin: germline. Affected: yes. Not counted in ClinVar's aggregate classification.

Breakthrough Genomics
Classification: Benign. Review status: criteria provided, single submitter. Criteria: ACMG Guidelines, 2015. Collection method: not provided. Allele origin: germline. Inheritance: Unknown mechanism. Affected: yes. Not counted in ClinVar's aggregate classification.